The following is an entry in ClinVar:

ClinVar aggregate classification (germline): Uncertain significance (1 of 4 stars; one submission).

Conditions:
Adams-Oliver syndrome 5 (AOS5). Identifiers: Orphanet 974, MedGen C4014970, MONDO:0014459, OMIM 616028.

Allele frequency attached by ClinVar (database versions not stated): TOPMed below 0.00001.

Submission:

Labcorp Genetics (formerly Invitae), Labcorp
Classification: Uncertain significance for Adams-Oliver syndrome 5. Last evaluated: 2022-07-06. Review status: criteria provided, single submitter. Criteria: Invitae Variant Classification Sherloc (09022015). Collection method: clinical testing. Allele origin: germline.
Comment: In summary, the available evidence is currently insufficient to determine the role of this variant in disease. Therefore, it has been classified as a Variant of Uncertain Significance. This sequence change replaces asparagine, which is neutral and polar, with lysine, which is basic and polar, at codon 1055 of the NOTCH1 protein (p.Asn1055Lys). This variant is not present in population databases (gnomAD no frequency). This variant has not been reported in the literature in individuals affected with NOTCH1-related conditions. ClinVar contains an entry for this variant (Variation ID: 951704). Advanced modeling of protein sequence and biophysical properties (such as structural, functional, and spatial information, amino acid conservation, physicochemical variation, residue mobility, and thermodynamic stability) performed at Invitae indicates that this missense variant is not expected to disrupt NOTCH1 protein function.

NM_017617.5(NOTCH1):c.3165C>A (p.Asn1055Lys)

Gene: NOTCH1 (notch receptor 1; minus strand). Cytogenetic location: 9q34.3.
Variant type: single nucleotide variant.
Coding change: c.3165C>A on transcript NM_017617.5 (MANE Select); coding-DNA position 3165, C replaced by A.
Protein change: p.Asn1055Lys; replaces asparagine 1055 with lysine.
Molecular consequence: missense variant.
Genome position (GRCh38, 1-based): chr9:136,508,876, G>T on the plus strand (C>A on the coding strand, the complement: NOTCH1 is on the minus strand). VCF-style: chr9-136508876-G-T. GRCh37 (hg19) VCF-style: chr9-139403328-G-T.
Other names: short protein forms N1055K.
Identifiers: ClinVar variation 951704 (VCV000951704.9), dbSNP rs1431940702, ClinGen allele CA375552644.